The following is an entry in ClinVar:

ClinVar aggregate classification (germline): Likely pathogenic (1 of 4 stars; one submission).

Conditions:
PKHD1-related disorder. Also called: PKHD1-related condition.

Submission:

PreventionGenetics, part of Exact Sciences
Classification: Likely pathogenic for PKHD1-related condition. Last evaluated: 2025-03-31. Review status: criteria provided, single submitter. Criteria: ACMG Guidelines, 2015. Collection method: clinical testing. Allele origin: germline.
Comment: The PKHD1 c.10468_10469delinsT variant is predicted to result in a frameshift and premature protein termination (p.Ser3490Leufs*21). To our knowledge, this variant has not been reported in the literature or in a large population database (gnomAD), indicating this variant is rare. Frameshift variants in PKHD1 are expected to be pathogenic. This variant is interpreted as likely pathogenic.

NM_138694.4(PKHD1):c.10468_10469delinsT (p.Ser3490fs)

Gene: PKHD1 (PKHD1 ciliary IPT domain containing fibrocystin/polyductin; minus strand). Cytogenetic location: 6p12.3.
Variant type: Indel.
Coding change: c.10468_10469delinsT on transcript NM_138694.4 (MANE Select); coding-DNA positions 10468 to 10469, AG replaced by T.
Protein change: p.Ser3490fs; shifts the reading frame from serine 3490.
Molecular consequence: frameshift variant.
Genome position (GRCh38, 1-based): chr6:51,659,657-51,659,658, CT replaced by A on the plus strand (AG replaced by T on the coding strand, the reverse complement: PKHD1 is on the minus strand). VCF-style: chr6-51659657-CT-A. GRCh37 (hg19) VCF-style: chr6-51524455-CT-A.
Other names: short protein forms S3490fs.
Identifiers: ClinVar variation 4997947 (VCV004997947.1).